The following is an entry in ClinVar:

ClinVar aggregate classification (germline): Uncertain significance (1 of 4 stars; one submission).

gnomAD v4.1: 50 of 1,613,662 alleles (0.0031%); highest among the groups gnomAD compares: Middle Eastern, 0.066%; no homozygotes.

Submission:

Labcorp Genetics (formerly Invitae), Labcorp
Classification: Uncertain significance. Last evaluated: 2025-10-25. Review status: criteria provided, single submitter. Criteria: Invitae Variant Classification Sherloc (09022015). Collection method: clinical testing. Allele origin: germline.
Comment: This sequence change replaces glutamic acid, which is acidic and polar, with lysine, which is basic and polar, at codon 803 of the BUB1 protein (p.Glu803Lys). This variant is present in population databases (rs200385130, gnomAD 0.07%), and has an allele count higher than expected for a pathogenic variant. This missense change has been observed in individual(s) with pancreatic ductal adenocarcinoma (PMID: 28767289). ClinVar contains an entry for this variant (Variation ID: 3720357). Experimental studies and prediction algorithms are not available or were not evaluated, and the functional significance of this variant is currently unknown. In summary, the available evidence is currently insufficient to determine the role of this variant in disease. Therefore, it has been classified as a Variant of Uncertain Significance.

Literature cited by the submitters: PubMed 28767289.

NM_004336.5(BUB1):c.2407G>A (p.Glu803Lys)

Gene: BUB1 (BUB1 mitotic checkpoint serine/threonine kinase; minus strand). Cytogenetic location: 2q13.
Variant type: single nucleotide variant.
Coding change: c.2407G>A on transcript NM_004336.5 (MANE Select); coding-DNA position 2407, G replaced by A.
Protein change: p.Glu803Lys; replaces glutamic acid 803 with lysine.
Molecular consequence: missense variant.
Genome position (GRCh38, 1-based): chr2:110,642,175, C>T on the plus strand (G>A on the coding strand, the complement: BUB1 is on the minus strand). VCF-style: chr2-110642175-C-T. GRCh37 (hg19) VCF-style: chr2-111399752-C-T.
Other names: c.2347G>A, p.Glu783Lys (NM_001278616.2); c.2407G>A, p.Glu803Lys (NM_001278617.2); short protein forms E783K, E803K.
Identifiers: ClinVar variation 3720357 (VCV003720357.2).